The following is an entry in ClinVar:

NM_001482.3(GATM):c.290C>G (p.Ala97Gly)

Gene: GATM (glycine amidinotransferase; minus strand). Cytogenetic location: 15q21.1.
Variant type: single nucleotide variant.
Coding change: c.290C>G on transcript NM_001482.3 (MANE Select); coding-DNA position 290, C replaced by G.
Protein change: p.Ala97Gly; replaces alanine 97 with glycine.
Molecular consequence: missense variant. On other transcripts: 5 prime UTR variant (1).
Genome position (GRCh38, 1-based): chr15:45,369,520, G>C on the plus strand (C>G on the coding strand, the complement: GATM is on the minus strand). VCF-style: chr15-45369520-G-C. GRCh37 (hg19) VCF-style: chr15-45661718-G-C.
Other names: c.-98C>G (NM_001321015.2); short protein forms A97G.
Identifiers: ClinVar variation 1721633 (VCV001721633.5), dbSNP rs2541994598, ClinGen allele CA392262379.

ClinVar aggregate classification (germline): Uncertain significance (1 of 4 stars; one submission).

Conditions:
Arginine:glycine amidinotransferase deficiency (CCDS3). Also called: AGAT deficiency; L-Arginine:Glycine Amidinotransferase Deficiency; Creatine deficiency syndrome due to AGAT deficiency; GATM deficiency; Cerebral creatine deficiency syndrome 3; L-Arginine:Glycine Amidinotransferase (AGAT) Deficiency. Identifiers: Orphanet 35704, MedGen C2675179, MONDO:0012996, OMIM 612718.

Allele frequency attached by ClinVar (database versions not stated): gnomAD exomes below 0.00001.
gnomAD v4.1: 1 of 1,613,606 alleles (0.000062%); highest among the groups gnomAD compares: South Asian, 0.0011%; no homozygotes.

Submission:

Labcorp Genetics (formerly Invitae), Labcorp
Classification: Uncertain significance for Arginine:glycine amidinotransferase deficiency. Last evaluated: 2022-10-14. Review status: criteria provided, single submitter. Criteria: Invitae Variant Classification Sherloc (09022015). Collection method: clinical testing. Allele origin: germline.
Comment: In summary, the available evidence is currently insufficient to determine the role of this variant in disease. Therefore, it has been classified as a Variant of Uncertain Significance. Algorithms developed to predict the effect of missense changes on protein structure and function (SIFT, PolyPhen-2, Align-GVGD) all suggest that this variant is likely to be disruptive. This variant has not been reported in the literature in individuals affected with GATM-related conditions. This variant is not present in population databases (gnomAD no frequency). This sequence change replaces alanine, which is neutral and non-polar, with glycine, which is neutral and non-polar, at codon 97 of the GATM protein (p.Ala97Gly).